The following is an entry in ClinVar:

NM_000540.3(RYR1):c.2989C>T (p.Arg997Ter)

Gene: RYR1 (ryanodine receptor 1; plus strand). Cytogenetic location: 19q13.2.
Variant type: single nucleotide variant.
Coding change: c.2989C>T on transcript NM_000540.3 (MANE Select); coding-DNA position 2989, C replaced by T.
Protein change: p.Arg997Ter; replaces arginine 997 with a stop codon.
Molecular consequence: nonsense.
Genome position (GRCh38, 1-based): chr19:38,466,209, C>T. VCF-style: chr19-38466209-C-T. GRCh37 (hg19) VCF-style: chr19-38956849-C-T.
Other names: c.2989C>T, p.Arg997Ter (NM_001042723.2); short protein forms R997*.
Identifiers: ClinVar variation 201146 (VCV000201146.20), dbSNP rs758925580, ClinGen allele CA024382.

ClinVar aggregate classification (germline): Pathogenic. Review status: criteria provided, multiple submitters, no conflicts (2 of 4 stars). 6 submissions from 6 submitters: Pathogenic (5). 1 of the submissions does not count toward it. Last evaluated 2025-07-23.

Conditions:
RYR1-related disorder. Also called: RYR1-related disorders; RYR1-related condition. Identifiers: MedGen CN239331.
Congenital multicore myopathy with external ophthalmoplegia (CMYO1B). Also called: Minicore myopathy with external ophthalmoplegia; MULTICORE MYOPATHY; Congenital myopathy 1B, autosomal recessive; Minicore myopathy; MULTIMINICORE DISEASE WITH EXTERNAL OPHTHALMOPLEGIA. Identifiers: Orphanet 598, Orphanet 98905, MedGen C1850674, MONDO:0009712, OMIM 255320, HP:0003789.
Malignant hyperthermia, susceptibility to, 1 (MHS1). Also called: Anesthesia related hyperthermia; Malignant hyperpyrexia; Fulminating hyperpyrexia; Pharmacogenic myopathy; RYR1-Related Malignant Hyperthermia Susceptibility; Malignant hyperthermia suceptibility 1. Identifiers: Orphanet 423, MedGen C2930980, MONDO:0007783, OMIM 145600.

Allele frequency attached by ClinVar (database versions not stated): gnomAD exomes below 0.00001; ExAC 0.00002.
gnomAD v4.1: 3 of 1,613,442 alleles (0.00019%); highest among the groups gnomAD compares: South Asian, 0.0011%; no homozygotes.

Submissions (6):

Women's Health and Genetics/Laboratory Corporation of America, LabCorp
Classification: Pathogenic for Congenital multicore myopathy with external ophthalmoplegia. Last evaluated: 2025-07-23. Review status: criteria provided, single submitter. Criteria: LabCorp Variant Classification Summary - May 2015. Collection method: clinical testing. Allele origin: germline.
Comment: Variant summary: RYR1 c.2989C>T (p.Arg997X) results in a premature termination codon, predicted to cause a truncation of the encoded protein or absence of the protein due to nonsense mediated decay, which are commonly known mechanisms for disease. The variant allele was found at a frequency of 4e-06 in 249108 control chromosomes. c.2989C>T has been observed in a compound heterozygous individual affected with Congenital multicore myopathy (e.g. Witting_2017). To our knowledge, this variant has not been reported in individuals with Malignant hyperthermia or other autosomal dominant RYR1-related disorders. To our knowledge, no experimental evidence demonstrating an impact on protein function has been reported. The following publication have been ascertained in the context of this evaluation (PMID: 28357410). ClinVar contains an entry for this variant (Variation ID: 201146). Based on the evidence outlined above, the variant was classified as pathogenic for Congenital multicore myopathy with external ophthalmoplegia.

Labcorp Genetics (formerly Invitae), Labcorp
Classification: Pathogenic for RYR1-related disorder. Last evaluated: 2022-02-03. Review status: criteria provided, single submitter. Criteria: Invitae Variant Classification Sherloc (09022015). Collection method: clinical testing. Allele origin: germline.
Comment: For these reasons, this variant has been classified as Pathogenic. ClinVar contains an entry for this variant (Variation ID: 201146). This premature translational stop signal has been observed in individual(s) with congenital myopathy with fiber-type disproportion (PMID: 28357410, 31127727). The frequency data for this variant in the population databases is considered unreliable, as metrics indicate poor data quality at this position in the gnomAD database. This sequence change creates a premature translational stop signal (p.Arg997*) in the RYR1 gene. It is expected to result in an absent or disrupted protein product. Loss-of-function variants in RYR1 are known to be pathogenic (PMID: 20583297, 20839240, 23919265, 28818389).

Revvity Omics, Revvity
Classification: Pathogenic. Last evaluated: 2019-10-21. Review status: criteria provided, single submitter. Criteria: ACMG Guidelines, 2015. Collection method: clinical testing. Allele origin: germline.

PreventionGenetics, part of Exact Sciences
Classification: Pathogenic. Last evaluated: 2019-04-24. Review status: criteria provided, single submitter. Criteria: ACMG Guidelines, 2015. Collection method: clinical testing. Allele origin: germline.

Juno Genomics, Hangzhou Juno Genomics, Inc
Classification: Pathogenic for Congenital multicore myopathy with external ophthalmoplegia. Review status: criteria provided, single submitter. Criteria: ACMG Guidelines, 2015. Collection method: clinical testing. Allele origin: germline.
Comment: Absent from controls (or at extremely low frequency if recessive) in Genome Aggregation Database.;Null variant in a gene where loss of function (LOF) is a known mechanism of disease.;For recessive disorders, detected in trans with a pathogenic variant.

All of Us Research Program, National Institutes of Health
Classification: Uncertain significance for Malignant hyperthermia, susceptibility to, 1. Last evaluated: 2024-08-06. Review status: flagged submission. Criteria: ACMG Guidelines, 2015. Collection method: clinical testing. Allele origin: germline. Inheritance: Autosomal dominant inheritance. Observed: 3 variant alleles, 3 heterozygotes. Not counted in ClinVar's aggregate classification.
Comment: This variant changes 1 nucleotide in exon 24 of the RYR1 gene, creating a premature translation stop signal. This variant is expected to result in an absent or non-functional protein product. This variant has not been reported in individuals affected with autosomal dominant malignant hyperthermia in the literature, although it is associated with other phenotype(s) (ClinVar variation ID: 201146). This variant has been identified in 1/249108 chromosomes in the general population by the Genome Aggregation Database (gnomAD). Loss of RYR1 function due to truncation variants is not an established disease mechanism for autosomal dominant malignant hyperthermia, although it is associated with other phenotype(s) (ClinVar variation ID: 201146). Due to insufficient evidence, this variant is classified as a Variant of Uncertain Significance for autosomal dominant malignant hyperthermia.

This study involves interpretation of variants in research participants for the purpose of population health screening. Participant phenotype was not available at the time of variant classification. Additional details can be found in publication PMID: 35346344, PMCID: PMC8962531
ClinVar note: Reason: Unnecessary conflicting claim for distinct condition when other classifications are more relevant

Literature cited by the submitters: PubMed 28357410 (cited by Women's Health and Genetics/Laboratory Corporation of America, LabCorp and Labcorp Genetics (formerly Invitae), Labcorp); PubMed 31127727 (cited by Labcorp Genetics (formerly Invitae), Labcorp); PubMed 20583297 (cited by Labcorp Genetics (formerly Invitae), Labcorp); PubMed 20839240 (cited by Labcorp Genetics (formerly Invitae), Labcorp); PubMed 23919265 (cited by Labcorp Genetics (formerly Invitae), Labcorp); PubMed 28818389 (cited by Labcorp Genetics (formerly Invitae), Labcorp).